The following is an entry in ClinVar:

ClinVar aggregate classification (germline): Uncertain significance (1 of 4 stars; one submission).

Submission:

Labcorp Genetics (formerly Invitae), Labcorp
Classification: Uncertain significance. Last evaluated: 2025-01-01. Review status: criteria provided, single submitter. Criteria: Invitae Variant Classification Sherloc (09022015). Collection method: clinical testing. Allele origin: germline.
Comment: This sequence change replaces alanine, which is neutral and non-polar, with valine, which is neutral and non-polar, at codon 439 of the GHR protein (p.Ala439Val). This variant is not present in population databases (gnomAD no frequency). This variant has not been reported in the literature in individuals affected with GHR-related conditions. Invitae Evidence Modeling of protein sequence and biophysical properties (such as structural, functional, and spatial information, amino acid conservation, physicochemical variation, residue mobility, and thermodynamic stability) indicates that this missense variant is not expected to disrupt GHR protein function with a negative predictive value of 80%. In summary, the available evidence is currently insufficient to determine the role of this variant in disease. Therefore, it has been classified as a Variant of Uncertain Significance.

NM_000163.5(GHR):c.1316C>T (p.Ala439Val)

Gene: GHR (growth hormone receptor; plus strand). Cytogenetic location: 5p12.
Variant type: single nucleotide variant.
Coding change: c.1316C>T on transcript NM_000163.5 (MANE Select); coding-DNA position 1316, C replaced by T.
Protein change: p.Ala439Val; replaces alanine 439 with valine.
Molecular consequence: missense variant. On other transcripts: 3 prime UTR variant (1).
Genome position (GRCh38, 1-based): chr5:42,718,823, C>T. VCF-style: chr5-42718823-C-T. GRCh37 (hg19) VCF-style: chr5-42718925-C-T.
Other names: c.1337C>T, p.Ala446Val (NM_001242399.2); c.1316C>T, p.Ala439Val (NM_001242400.2, NM_001242401.4, NM_001242402.2 and 4 more transcripts); c.1250C>T, p.Ala417Val (NM_001242460.2); c.*358C>T (NM_001242462.1); short protein forms A417V, A439V, A446V.
Identifiers: ClinVar variation 3682489 (VCV003682489.2).